The following is an entry in ClinVar:

NM_000038.6(APC):c.1210A>G (p.Ile404Val)

Gene: APC (APC regulator of Wnt signaling pathway; plus strand). Cytogenetic location: 5q22.2.
Variant type: single nucleotide variant.
Coding change: c.1210A>G on transcript NM_000038.6 (MANE Select); coding-DNA position 1210, A replaced by G.
Protein change: p.Ile404Val; replaces isoleucine 404 with valine.
Molecular consequence: missense variant. On other transcripts: intron variant (4).
Genome position (GRCh38, 1-based): chr5:112,819,242, A>G. VCF-style: chr5-112819242-A-G. GRCh37 (hg19) VCF-style: chr5-112154939-A-G.
Other names: c.1210A>G (NM_000038.5); c.1210A>G, p.Ile404Val (NM_001127510.3, NM_001354895.2, NM_001354896.2 and 4 more transcripts); c.1156A>G, p.Ile386Val (NM_001127511.3); c.1240A>G, p.Ile414Val (NM_001354897.2, NM_001407446.1); c.1135A>G, p.Ile379Val (NM_001354898.2, NM_001407451.1); c.1126A>G, p.Ile376Val (NM_001354899.2, NM_001407452.1); c.1033A>G, p.Ile345Val (NM_001354900.2, NM_001354901.2, NM_001407453.1); c.361A>G, p.Ile121Val (NM_001354906.2, NM_001407470.1); and 4 more; short protein forms I121V, I345V, I379V, I386V, I376V, I404V, I414V.
Identifiers: ClinVar variation 2102478 (VCV002102478.5), dbSNP rs2149782560, ClinGen allele CA16023953.

ClinVar aggregate classification (germline): Uncertain significance. Review status: criteria provided, multiple submitters, no conflicts (2 of 4 stars). 2 submissions from 2 submitters: Uncertain significance (2). Last evaluated 2025-12-11.

Conditions:
Hereditary cancer-predisposing syndrome. Also called: Hereditary Cancer Syndrome; Tumor predisposition; Neoplastic Syndromes, Hereditary; Hereditary neoplastic syndrome. Identifiers: Orphanet 140162, MedGen C0027672, MeSH D009386, MONDO:0015356.
Familial adenomatous polyposis 1 (FAP1). Also called: FAMILIAL ADENOMATOUS POLYPOSIS 1, ATTENUATED; POLYPOSIS, ADENOMATOUS INTESTINAL. Identifiers: MedGen C2713442, MONDO:0021056, OMIM 175100. Disease mechanism: loss of function.

Submissions (2):

Ambry Genetics
Classification: Uncertain significance for Hereditary cancer-predisposing syndrome. Last evaluated: 2025-12-11. Review status: criteria provided, single submitter. Criteria: Ambry Variant Classification Scheme 2023. Collection method: clinical testing. Allele origin: germline.
Comment: The p.I404V variant (also known as c.1210A>G), located in coding exon 9 of the APC gene, results from an A to G substitution at nucleotide position 1210. The isoleucine at codon 404 is replaced by valine, an amino acid with highly similar properties. This amino acid position is well conserved in available vertebrate species. In addition, in silico predictors for this gene do not accurately predict pathogenicity. Missense variants in APC are not a common cause of disease (Spier I et al. Genet Med. 2024 Feb;26(2):100992). Based on the available evidence, the clinical significance of this variant remains unclear.

Labcorp Genetics (formerly Invitae), Labcorp
Classification: Uncertain significance for Familial adenomatous polyposis 1. Last evaluated: 2022-02-23. Review status: criteria provided, single submitter. Criteria: Invitae Variant Classification Sherloc (09022015). Collection method: clinical testing. Allele origin: germline.
Comment: This sequence change replaces isoleucine, which is neutral and non-polar, with valine, which is neutral and non-polar, at codon 404 of the APC protein (p.Ile404Val). This variant is not present in population databases (gnomAD no frequency). This variant has not been reported in the literature in individuals affected with APC-related conditions. Algorithms developed to predict the effect of missense changes on protein structure and function are either unavailable or do not agree on the potential impact of this missense change (SIFT: "Deleterious"; PolyPhen-2: "Benign"; Align-GVGD: "Class C0"). In summary, the available evidence is currently insufficient to determine the role of this variant in disease. Therefore, it has been classified as a Variant of Uncertain Significance.